The following is an entry in ClinVar:

NM_000257.4(MYH7):c.3152C>A (p.Ala1051Glu)

Gene: MYH7 (myosin heavy chain 7; minus strand). Cytogenetic location: 14q11.2.
Variant type: single nucleotide variant.
Coding change: c.3152C>A on transcript NM_000257.4 (MANE Select); coding-DNA position 3152, C replaced by A.
Protein change: p.Ala1051Glu; replaces alanine 1051 with glutamic acid.
Molecular consequence: missense variant.
Genome position (GRCh38, 1-based): chr14:23,422,273, G>T on the plus strand (C>A on the coding strand, the complement: MYH7 is on the minus strand). VCF-style: chr14-23422273-G-T. GRCh37 (hg19) VCF-style: chr14-23891482-G-T.
Other names: short protein forms A1051E.
Identifiers: ClinVar variation 1007310 (VCV001007310.8), dbSNP rs727504358, ClinGen allele CA389045365.

ClinVar aggregate classification (germline): Uncertain significance (1 of 4 stars; one submission).

Conditions:
Hypertrophic cardiomyopathy. Also called: HYPERTROPHIC MYOCARDIOPATHY. Identifiers: Orphanet 217569, MedGen C0007194, MeSH D002312, MONDO:0005045, HP:0001639.

Submission:

Labcorp Genetics (formerly Invitae), Labcorp
Classification: Uncertain significance for Hypertrophic cardiomyopathy. Last evaluated: 2024-08-01. Review status: criteria provided, single submitter. Criteria: Invitae Variant Classification Sherloc (09022015). Collection method: clinical testing. Allele origin: germline.
Comment: This sequence change replaces alanine, which is neutral and non-polar, with glutamic acid, which is acidic and polar, at codon 1051 of the MYH7 protein (p.Ala1051Glu). This variant is not present in population databases (gnomAD no frequency). This variant has not been reported in the literature in individuals affected with MYH7-related conditions. ClinVar contains an entry for this variant (Variation ID: 1007310). Advanced modeling of protein sequence and biophysical properties (such as structural, functional, and spatial information, amino acid conservation, physicochemical variation, residue mobility, and thermodynamic stability) performed at Invitae indicates that this missense variant is expected to disrupt MYH7 protein function with a positive predictive value of 95%. In summary, the available evidence is currently insufficient to determine the role of this variant in disease. Therefore, it has been classified as a Variant of Uncertain Significance.